The following is an entry in ClinVar:

ClinVar aggregate classification (germline): Conflicting classifications of pathogenicity. Review status: criteria provided, conflicting classifications (1 of 4 stars). 4 submissions from 4 submitters: Uncertain significance (2); Likely benign (2). Last evaluated 2025-11-14.

Conditions:
Inborn genetic diseases. Identifiers: MedGen C0950123, MeSH D030342.

Allele frequency attached by ClinVar (database versions not stated): ExAC 0.00015; ESP Exome Variant Server 0.00024; TOPMed 0.00026; gnomAD 0.00030; 1000 Genomes Project 0.00040; gnomAD exomes 0.00049; 1000 Genomes Project 30x 0.00062.
gnomAD v4.1: 751 of 1,611,652 alleles (0.047%); highest among the groups gnomAD compares: Non-Finnish European, 0.059%; no homozygotes.

Submissions (4):

Mayo Clinic Laboratories, Mayo Clinic
Classification: Uncertain significance. Last evaluated: 2025-11-14. Review status: criteria provided, single submitter. Criteria: ACMG Guidelines, 2015. Collection method: clinical testing. Allele origin: germline. Observed: 1 variant allele.
Comment: BP4_moderate

CeGaT Center for Human Genetics Tuebingen
Classification: Likely benign. Last evaluated: 2022-10-01. Review status: criteria provided, single submitter. Criteria: CeGaT Center For Human Genetics Tuebingen Variant Classification Criteria Version 2. Collection method: clinical testing. Allele origin: germline. Affected: yes. Observed: 1 variant allele.
Comment: CCDC88C: BP4

Labcorp Genetics (formerly Invitae), Labcorp
Classification: Uncertain significance. Last evaluated: 2022-05-13. Review status: criteria provided, single submitter. Criteria: Invitae Variant Classification Sherloc (09022015). Collection method: clinical testing. Allele origin: germline.
Comment: This sequence change replaces glycine, which is neutral and non-polar, with serine, which is neutral and polar, at codon 884 of the CCDC88C protein (p.Gly884Ser). This variant is present in population databases (rs185802741, gnomAD 0.04%). This variant has not been reported in the literature in individuals affected with CCDC88C-related conditions. Algorithms developed to predict the effect of missense changes on protein structure and function output the following: SIFT: "Tolerated"; PolyPhen-2: "Benign"; Align-GVGD: "Class C0". The serine amino acid residue is found in multiple mammalian species, which suggests that this missense change does not adversely affect protein function. In summary, the available evidence is currently insufficient to determine the role of this variant in disease. Therefore, it has been classified as a Variant of Uncertain Significance.

Ambry Genetics
Classification: Likely benign for Inborn genetic diseases. Last evaluated: 2021-10-22. Review status: criteria provided, single submitter. Criteria: Ambry Variant Classification Scheme 2023. Collection method: clinical testing. Allele origin: germline.

NM_001080414.4(CCDC88C):c.2650G>A (p.Gly884Ser)

Gene: CCDC88C (coiled-coil and HOOK domain protein 88C; minus strand). Cytogenetic location: 14q32.11.
Variant type: single nucleotide variant.
Coding change: c.2650G>A on transcript NM_001080414.4 (MANE Select); coding-DNA position 2650, G replaced by A.
Protein change: p.Gly884Ser; replaces glycine 884 with serine.
Molecular consequence: missense variant.
Genome position (GRCh38, 1-based): chr14:91,313,166, C>T on the plus strand (G>A on the coding strand, the complement: CCDC88C is on the minus strand). VCF-style: chr14-91313166-C-T. GRCh37 (hg19) VCF-style: chr14-91779510-C-T.
Other names: p.Gly884Ser; c.2650G>A (NM_001080414.3); short protein forms G884S.
Identifiers: ClinVar variation 2158514 (VCV002158514.26), dbSNP rs185802741, ClinGen allele CA7309593.